The following is an entry in ClinVar:

NM_003803.4(MYOM1):c.2318T>C (p.Ile773Thr)

Gene: MYOM1 (myomesin 1; minus strand). Cytogenetic location: 18p11.31.
Variant type: single nucleotide variant.
Coding change: c.2318T>C on transcript NM_003803.4 (MANE Select); coding-DNA position 2318, T replaced by C.
Protein change: p.Ile773Thr; replaces isoleucine 773 with threonine.
Molecular consequence: missense variant.
Genome position (GRCh38, 1-based): chr18:3,134,716, A>G on the plus strand (T>C on the coding strand, the complement: MYOM1 is on the minus strand). VCF-style: chr18-3134716-A-G. GRCh37 (hg19) VCF-style: chr18-3134714-A-G.
Other names: c.2318T>C, p.Ile773Thr (NM_019856.2); short protein forms I773T.
Identifiers: ClinVar variation 2068702 (VCV002068702.4), dbSNP rs369782689, ClinGen allele CA8874686.

ClinVar aggregate classification (germline): Uncertain significance (1 of 4 stars; one submission).

Conditions:
Hypertrophic cardiomyopathy. Also called: HYPERTROPHIC MYOCARDIOPATHY. Identifiers: Orphanet 217569, MedGen C0007194, MeSH D002312, MONDO:0005045, HP:0001639.

Allele frequency attached by ClinVar (database versions not stated): ExAC 0.00001; gnomAD 0.00002; ESP Exome Variant Server 0.00008; TOPMed 0.00001.
gnomAD v4.1: 13 of 1,613,896 alleles (0.00081%); highest among the groups gnomAD compares: African/African-American, 0.011%; no homozygotes.

Submission:

Labcorp Genetics (formerly Invitae), Labcorp
Classification: Uncertain significance for Hypertrophic cardiomyopathy. Last evaluated: 2025-01-11. Review status: criteria provided, single submitter. Criteria: Invitae Variant Classification Sherloc (09022015). Collection method: clinical testing. Allele origin: germline.
Comment: This sequence change replaces isoleucine, which is neutral and non-polar, with threonine, which is neutral and polar, at codon 773 of the MYOM1 protein (p.Ile773Thr). This variant is present in population databases (rs369782689, gnomAD 0.006%). This variant has not been reported in the literature in individuals affected with MYOM1-related conditions. ClinVar contains an entry for this variant (Variation ID: 2068702). Invitae Evidence Modeling of protein sequence and biophysical properties (such as structural, functional, and spatial information, amino acid conservation, physicochemical variation, residue mobility, and thermodynamic stability) has been performed for this missense variant. However, the output from this modeling did not meet the statistical confidence thresholds required to predict the impact of this variant on MYOM1 protein function. In summary, the available evidence is currently insufficient to determine the role of this variant in disease. Therefore, it has been classified as a Variant of Uncertain Significance.